The following is an entry in ClinVar:

ClinVar aggregate classification (germline): Uncertain significance. Review status: criteria provided, multiple submitters, no conflicts (2 of 4 stars). 2 submissions from 2 submitters: Uncertain significance (2). Last evaluated 2025-06-25.

Conditions:
Inborn genetic diseases. Identifiers: MedGen C0950123, MeSH D030342.
Joubert syndrome 14 (JBTS14). Identifiers: MedGen C3280766, MONDO:0013745, OMIM 614424.

Allele frequency attached by ClinVar (database versions not stated): gnomAD exomes below 0.00001; gnomAD 0.00001; TOPMed 0.00002.
gnomAD v4.1: 6 of 1,600,576 alleles (0.00037%); highest among the groups gnomAD compares: Middle Eastern, 0.017%; no homozygotes.

Submissions (2):

Ambry Genetics
Classification: Uncertain significance for Inborn genetic diseases. Last evaluated: 2025-06-25. Review status: criteria provided, single submitter. Criteria: Ambry Variant Classification Scheme 2023. Collection method: clinical testing. Allele origin: germline.

Labcorp Genetics (formerly Invitae), Labcorp
Classification: Uncertain significance for Joubert syndrome 14. Last evaluated: 2022-06-23. Review status: criteria provided, single submitter. Criteria: Invitae Variant Classification Sherloc (09022015). Collection method: clinical testing. Allele origin: germline.
Comment: In summary, the available evidence is currently insufficient to determine the role of this variant in disease. Therefore, it has been classified as a Variant of Uncertain Significance. Algorithms developed to predict the effect of missense changes on protein structure and function output the following: SIFT: "Tolerated"; PolyPhen-2: "Benign"; Align-GVGD: "Class C0". The cysteine amino acid residue is found in multiple mammalian species, which suggests that this missense change does not adversely affect protein function. This variant has not been reported in the literature in individuals affected with TMEM237-related conditions. The frequency data for this variant in the population databases is considered unreliable, as metrics indicate poor data quality at this position in the gnomAD database. This sequence change replaces arginine, which is basic and polar, with cysteine, which is neutral and slightly polar, at codon 15 of the TMEM237 protein (p.Arg15Cys).

NM_001044385.3(TMEM237):c.43C>T (p.Arg15Cys)

Gene: TMEM237 (transmembrane protein 237; minus strand). Cytogenetic location: 2q33.1.
Variant type: single nucleotide variant.
Coding change: c.43C>T on transcript NM_001044385.3 (MANE Select); coding-DNA position 43, C replaced by T.
Protein change: p.Arg15Cys; replaces arginine 15 with cysteine.
Molecular consequence: missense variant.
Genome position (GRCh38, 1-based): chr2:201,640,924, G>A on the plus strand (C>T on the coding strand, the complement: TMEM237 is on the minus strand). VCF-style: chr2-201640924-G-A. GRCh37 (hg19) VCF-style: chr2-202505647-G-A.
Other names: c.19C>T, p.Arg7Cys (NM_152388.4); c.43C>T (NM_001044385.1); short protein forms R7C, R15C.
Identifiers: ClinVar variation 1986642 (VCV001986642.5), dbSNP rs879773501, ClinGen allele CA63961627.
Genomic context (GRCh38, chr2:201,640,924, plus strand): 5'-ATAATGAAATTACTGTAAATTATTTTTACCTTGGCACAGGTGGAAGAGCTCGTGGAGGAC[G>A]CTGTGGCGGAAAAAATAAATTTGCTTGTAAGTAAAAGCCTAGAGCATCTTTACTTCAAAT-3'
Protein context (NP_001037850.1, residues 5-25): SGARLEEGHL[Arg15Cys]PPRALPPVPS